The following is an entry in ClinVar:

NM_000362.5(TIMP3):c.344C>T (p.Thr115Met)

Genes: SYN3 (synapsin III; minus strand), TIMP3 (TIMP metallopeptidase inhibitor 3; plus strand). Cytogenetic location: 22q12.3.
Variant type: single nucleotide variant.
Coding change: c.344C>T on transcript NM_000362.5 (MANE Select); coding-DNA position 344, C replaced by T.
Protein change: p.Thr115Met; replaces threonine 115 with methionine.
Molecular consequence: missense variant. On other transcripts: intron variant (7).
Genome position (GRCh38, 1-based): chr22:32,858,044, C>T. VCF-style: chr22-32858044-C-T. GRCh37 (hg19) VCF-style: chr22-33254031-C-T.
Other names: c.708+6871G>A (NM_001369909.1, NM_001135774.2, NM_001369910.1); c.711+6871G>A (NM_001369907.1, NM_003490.4, NM_001369908.1 and 1 more transcripts); short protein forms T115M.
Identifiers: ClinVar variation 1402101 (VCV001402101.9), dbSNP rs773248900, ClinGen allele CA10202237.

ClinVar aggregate classification (germline): Uncertain significance. Review status: criteria provided, multiple submitters, no conflicts (2 of 4 stars). 2 submissions from 2 submitters: Uncertain significance (2). Last evaluated 2025-08-17.

Allele frequency attached by ClinVar (database versions not stated): gnomAD exomes 0.00001 and 0.00002; ExAC 0.00002; gnomAD 0.00004; TOPMed 0.00007.
gnomAD v4.1: 17 of 1,614,032 alleles (0.0011%); highest among the groups gnomAD compares: Admixed American, 0.015%; no homozygotes.

Submissions (2):

Labcorp Genetics (formerly Invitae), Labcorp
Classification: Uncertain significance. Last evaluated: 2025-08-17. Review status: criteria provided, single submitter. Criteria: Invitae Variant Classification Sherloc (09022015). Collection method: clinical testing. Allele origin: germline.
Comment: This sequence change replaces threonine, which is neutral and polar, with methionine, which is neutral and non-polar, at codon 115 of the TIMP3 protein (p.Thr115Met). This variant is present in population databases (rs773248900, gnomAD 0.009%). This variant has not been reported in the literature in individuals affected with TIMP3-related conditions. ClinVar contains an entry for this variant (Variation ID: 1402101). An algorithm developed to predict the effect of missense changes on protein structure and function (PolyPhen-2) suggests that this variant is likely to be disruptive. In summary, the available evidence is currently insufficient to determine the role of this variant in disease. Therefore, it has been classified as a Variant of Uncertain Significance.

Ambry Genetics
Classification: Uncertain significance. Last evaluated: 2023-03-02. Review status: criteria provided, single submitter. Criteria: Ambry Variant Classification Scheme 2023. Collection method: clinical testing. Allele origin: germline.